The following is an entry in ClinVar:

ClinVar aggregate classification (germline): Uncertain significance (1 of 4 stars; one submission).

Allele frequency attached by ClinVar (database versions not stated): TOPMed below 0.00001; gnomAD exomes below 0.00001.
gnomAD v4.1: 2 of 1,614,130 alleles (0.00012%); highest among the groups gnomAD compares: Admixed American, 0.0033%; no homozygotes.

Submission:

Labcorp Genetics (formerly Invitae), Labcorp
Classification: Uncertain significance. Last evaluated: 2025-03-22. Review status: criteria provided, single submitter. Criteria: Invitae Variant Classification Sherloc (09022015). Collection method: clinical testing. Allele origin: germline.
Comment: This sequence change replaces aspartic acid, which is acidic and polar, with valine, which is neutral and non-polar, at codon 489 of the NCSTN protein (p.Asp489Val). This variant is present in population databases (no rsID available, gnomAD 0.006%). This variant has not been reported in the literature in individuals affected with NCSTN-related conditions. ClinVar contains an entry for this variant (Variation ID: 2784580). Invitae Evidence Modeling of protein sequence and biophysical properties (such as structural, functional, and spatial information, amino acid conservation, physicochemical variation, residue mobility, and thermodynamic stability) indicates that this missense variant is not expected to disrupt NCSTN protein function with a negative predictive value of 80%. In summary, the available evidence is currently insufficient to determine the role of this variant in disease. Therefore, it has been classified as a Variant of Uncertain Significance.

NM_015331.3(NCSTN):c.1466A>T (p.Asp489Val)

Gene: NCSTN (nicastrin; plus strand). Cytogenetic location: 1q23.2.
Variant type: single nucleotide variant.
Coding change: c.1466A>T on transcript NM_015331.3 (MANE Select); coding-DNA position 1466, A replaced by T.
Protein change: p.Asp489Val; replaces aspartic acid 489 with valine.
Molecular consequence: missense variant.
Genome position (GRCh38, 1-based): chr1:160,355,873, A>T. VCF-style: chr1-160355873-A-T. GRCh37 (hg19) VCF-style: chr1-160325663-A-T.
Other names: c.1406A>T, p.Asp469Val (NM_001290184.2); c.1052A>T, p.Asp351Val (NM_001290186.2); c.1466A>T, p.Asp489Val (NM_001349729.2); short protein forms D351V, D469V, D489V.
Identifiers: ClinVar variation 2784580 (VCV002784580.3), dbSNP rs1367742892, ClinGen allele CA343282096.